The following is an entry in ClinVar:

ClinVar aggregate classification (germline): Uncertain significance (1 of 4 stars; one submission).

Allele frequency attached by ClinVar (database versions not stated): gnomAD exomes below 0.00001; TOPMed below 0.00001; ExAC 0.00001; gnomAD 0.00001.
gnomAD v4.1: 2 of 1,614,082 alleles (0.00012%); highest among the groups gnomAD compares: African/African-American, 0.0027%; no homozygotes.

Submission:

Labcorp Genetics (formerly Invitae), Labcorp
Classification: Uncertain significance. Last evaluated: 2022-06-13. Review status: criteria provided, single submitter. Criteria: Invitae Variant Classification Sherloc (09022015). Collection method: clinical testing. Allele origin: germline.
Comment: This sequence change replaces proline, which is neutral and non-polar, with leucine, which is neutral and non-polar, at codon 726 of the ARID1A protein (p.Pro726Leu). This variant is not present in population databases (gnomAD no frequency). In summary, the available evidence is currently insufficient to determine the role of this variant in disease. Therefore, it has been classified as a Variant of Uncertain Significance. Algorithms developed to predict the effect of missense changes on protein structure and function are either unavailable or do not agree on the potential impact of this missense change (SIFT: "Deleterious"; PolyPhen-2: "Not Available"; Align-GVGD: "Class C0"). This variant has not been reported in the literature in individuals affected with ARID1A-related conditions.

NM_006015.6(ARID1A):c.2177C>T (p.Pro726Leu)

Gene: ARID1A (AT-rich interaction domain 1A; plus strand). Cytogenetic location: 1p36.11.
Variant type: single nucleotide variant.
Coding change: c.2177C>T on transcript NM_006015.6 (MANE Select); coding-DNA position 2177, C replaced by T.
Protein change: p.Pro726Leu; replaces proline 726 with leucine.
Molecular consequence: missense variant.
Genome position (GRCh38, 1-based): chr1:26,761,399, C>T. VCF-style: chr1-26761399-C-T. GRCh37 (hg19) VCF-style: chr1-27087890-C-T.
Other names: c.2177C>T, p.Pro726Leu (NM_139135.4); short protein forms P726L.
Identifiers: ClinVar variation 1951122 (VCV001951122.5), dbSNP rs781279592, ClinGen allele CA706934.